The following is an entry in ClinVar:

ClinVar aggregate classification (germline): Likely benign (1 of 4 stars; one submission).

Conditions:
NDRG1-related disorder. Also called: NDRG1-related condition.

gnomAD v4.1: 24 of 1,613,988 alleles (0.0015%); highest among the groups gnomAD compares: Non-Finnish European, 0.0019%; no homozygotes.

Submission:

PreventionGenetics, part of Exact Sciences
Classification: Likely benign for NDRG1-related condition. Last evaluated: 2026-06-11. Review status: criteria provided, single submitter. Criteria: ACMG Guidelines, 2015. Collection method: clinical testing. Allele origin: germline.
Comment: This variant is classified as likely benign based on ACMG/AMP sequence variant interpretation guidelines (Richards et al. 2015 PMID: 25741868, with internal and published modifications).

NM_006096.4(NDRG1):c.-4G>T

Gene: NDRG1 (N-myc downstream regulated 1; minus strand). Cytogenetic location: 8q24.22.
Variant type: single nucleotide variant.
Coding change: c.-4G>T on transcript NM_006096.4 (MANE Select); 4 bases upstream of the start codon, G replaced by T.
Molecular consequence: 5 prime UTR variant. On other transcripts: intron variant (2).
Genome position (GRCh38, 1-based): chr8:133,284,315, C>A on the plus strand (G>T on the coding strand, the complement: NDRG1 is on the minus strand). VCF-style: chr8-133284315-C-A. GRCh37 (hg19) VCF-style: chr8-134296558-C-A.
Other names: c.-4G>T (NM_001135242.2, NM_001374844.1, NM_001374845.1 and 1 more transcripts); c.-141G>T (NM_001258433.2); c.-100+12819G>T (NM_001258432.2); c.-135-4048G>T (NM_001374847.1).
Identifiers: ClinVar variation 4982244 (VCV004982244.1).